The following is an entry in ClinVar:

NM_130384.3(ATRIP):c.142C>A (p.Pro48Thr)

Genes: ATRIP (ATR interacting protein; plus strand), ATRIP-TREX1 (ATRIP-TREX1 readthrough; plus strand), LOC129936703 (ATAC-STARR-seq lymphoblastoid silent region 14331; plus strand). Cytogenetic location: 3p21.31.
Variant type: single nucleotide variant.
Coding change: c.142C>A on transcript NM_130384.3 (MANE Select); coding-DNA position 142, C replaced by A.
Protein change: p.Pro48Thr; replaces proline 48 with threonine.
Molecular consequence: missense variant. On other transcripts: non-coding transcript variant (1), intron variant (1).
Genome position (GRCh38, 1-based): chr3:48,446,987, C>A. VCF-style: chr3-48446987-C-A. GRCh37 (hg19) VCF-style: chr3-48488391-C-A.
Other names: c.142C>A, p.Pro48Thr (NM_032166.4); c.-218+188C>A (NM_001271022.2); short protein forms P48T.
Identifiers: ClinVar variation 4644571 (VCV004644571.1).
Genomic context (GRCh38, chr3:48,446,987, plus strand): 5'-CACCCCCCGAGCAAGCGGGCCCGGGGCTTCTCCGCAGCCGCTGCCCCGGACCCTGACGAC[C>A]CGTTCGGCGCGCATGGGGACTTCACTGCCGACGACCTGGAGGAGCTTGACACCCTCGCGT-3'
Protein context (NP_569055.1, residues 38-58): SAAAAPDPDD[Pro48Thr]FGAHGDFTAD

ClinVar aggregate classification (germline): Uncertain significance (1 of 4 stars; one submission).

Submission:

Ambry Genetics
Classification: Uncertain significance. Last evaluated: 2025-11-02. Review status: criteria provided, single submitter. Criteria: Ambry Variant Classification Scheme 2023. Collection method: clinical testing. Allele origin: germline.
Comment: The p.P48T variant (also known as c.142C>A), located in coding exon 1 of the ATRIP gene, results from a C to A substitution at nucleotide position 142. The proline at codon 48 is replaced by threonine, an amino acid with highly similar properties. This amino acid position is conserved. In addition, the in silico prediction for this alteration is inconclusive. Based on the available evidence, the clinical significance of this variant remains unclear.